The following is an entry in ClinVar:

ClinVar aggregate classification (germline): Uncertain significance (1 of 4 stars; one submission).

Conditions:
Baller-Gerold syndrome (BGS). Also called: CRANIOSYNOSTOSIS WITH RADIAL DEFECTS. Identifiers: Orphanet 1225, MedGen C0265308, MONDO:0009039, OMIM 218600.

Submission:

Labcorp Genetics (formerly Invitae), Labcorp
Classification: Uncertain significance for Baller-Gerold syndrome. Last evaluated: 2022-08-10. Review status: criteria provided, single submitter. Criteria: Invitae Variant Classification Sherloc (09022015). Collection method: clinical testing. Allele origin: germline.
Comment: This variant is not present in population databases (gnomAD no frequency). In summary, the available evidence is currently insufficient to determine the role of this variant in disease. Therefore, it has been classified as a Variant of Uncertain Significance. Experimental studies and prediction algorithms are not available or were not evaluated, and the functional significance of this variant is currently unknown. ClinVar contains an entry for this variant (Variation ID: 1380112). This variant has not been reported in the literature in individuals affected with RECQL4-related conditions. This sequence change replaces glutamine, which is neutral and polar, with lysine, which is basic and polar, at codon 1145 of the RECQL4 protein (p.Gln1145Lys).

NM_004260.4(RECQL4):c.3433C>A (p.Gln1145Lys)

Gene: RECQL4 (RecQ like helicase 4; minus strand). Cytogenetic location: 8q24.3.
Variant type: single nucleotide variant.
Coding change: c.3433C>A on transcript NM_004260.4 (MANE Select); coding-DNA position 3433, C replaced by A.
Protein change: p.Gln1145Lys; replaces glutamine 1145 with lysine.
Molecular consequence: missense variant.
Genome position (GRCh38, 1-based): chr8:144,511,750, G>T on the plus strand (C>A on the coding strand, the complement: RECQL4 is on the minus strand). VCF-style: chr8-144511750-G-T. GRCh37 (hg19) VCF-style: chr8-145737133-G-T.
Other names: short protein forms Q1145K.
Identifiers: ClinVar variation 1380112 (VCV001380112.6), dbSNP rs1827248750, ClinGen allele CA372667268.